The following is an entry in ClinVar:

NM_007294.4(BRCA1):c.5368del (p.Ser1790fs)

Gene: BRCA1 (BRCA1 DNA repair associated; minus strand). Cytogenetic location: 17q21.31.
Variant type: Deletion.
Coding change: c.5368del on transcript NM_007294.4 (MANE Select); coding-DNA position 5368, one base deleted (T; older notation c.5368delT).
Protein change: p.Ser1790fs; shifts the reading frame from serine 1790.
Molecular consequence: frameshift variant. On other transcripts: non-coding transcript variant (1), intron variant (1).
Genome position (GRCh38, 1-based): chr17:43,049,159, A deleted on the plus strand (T on the coding strand, the reverse complement: BRCA1 is on the minus strand); the first of 2 consecutive A bases (chr17:43,049,159-43,049,160); deleting either gives the same sequence. VCF-style (leftmost placement, unchanged base first): chr17-43049158-GA-G. GRCh37 (hg19) VCF-style: chr17-41201175-GA-G.
Other names: c.5368delT (NM_007294.3); c.5223delT, p.Ser1742Leufs (NM_001407751.1, NM_001407752.1, NM_001407732.1 and 18 more transcripts); c.5220delT, p.Ser1741Leufs (NM_001407838.1, NM_001407839.1, NM_001407841.1 and 12 more transcripts); c.5166delT, p.Ser1723Leufs (NM_001407862.1); c.5163delT, p.Ser1722Leufs (NM_001407863.1); c.5160delT, p.Ser1721Leufs (NM_001407874.1, NM_001407875.1); c.5157delT, p.Ser1720Leufs (NM_001407879.1, NM_001407881.1, NM_001407882.1 and 5 more transcripts); c.5154delT, p.Ser1719Leufs (NM_001407894.1, NM_001407895.1, NM_001407896.1 and 12 more transcripts); and 76 more; short protein forms S1743fs, S1790fs, S686fs, S1811fs.
Identifiers: ClinVar variation 246134 (VCV000246134.20), dbSNP rs879254116, ClinGen allele CA10584545.

ClinVar aggregate classification (germline): Pathogenic. Review status: reviewed by expert panel (3 of 4 stars). 9 submissions from 9 submitters: Pathogenic (1). 8 of the submissions do not count toward it. Last evaluated 2017-12-15.

Conditions:
Breast-ovarian cancer, familial, susceptibility to, 1 (BROVCA1). Also called: BRCA1 Hereditary Breast and Ovarian Cancer; OVARIAN CANCER, SUSCEPTIBILITY TO. Identifiers: Orphanet 145, MedGen C2676676, MONDO:0011450, OMIM 604370. Disease mechanism: loss of function.
Fanconi anemia, complementation group S (FANCS). Identifiers: MedGen C4554406, MONDO:0054748, OMIM 617883.
Familial cancer of breast. Also called: BREAST CANCER, FAMILIAL; hereditary breast carcinoma; Hereditary breast cancer. Identifiers: Orphanet 227535, MedGen C0346153, MONDO:0016419, OMIM 114480. Disease mechanism: loss of function.
Pancreatic cancer, susceptibility to, 4. Identifiers: Orphanet 1333, MedGen C3280442, MONDO:0013685, OMIM 614320.
Hereditary cancer-predisposing syndrome. Also called: Hereditary Cancer Syndrome; Neoplastic Syndromes, Hereditary; Hereditary neoplastic syndrome; Tumor predisposition. Identifiers: Orphanet 140162, MedGen C0027672, MeSH D009386, MONDO:0015356.
Hereditary breast ovarian cancer syndrome. Also called: Hereditary breast and ovarian cancer syndrome (HBOC); Breast and ovarian cancer; Hereditary breast and ovarian cancer syndrome; Hereditary breast and ovarian cancer; BRCA1- and BRCA2-Associated Hereditary Breast and Ovarian Cancer; Hereditary breast and/or ovarian cancer syndrome. Identifiers: Orphanet 145, MedGen C0677776, MeSH D061325, MONDO:0003582. Disease mechanism: loss of function.

Submissions (9):

Evidence-based Network for the Interpretation of Germline Mutant Alleles (ENIGMA)
Classification: Pathogenic for Breast-ovarian cancer, familial, susceptibility to, 1. Last evaluated: 2017-12-15. Review status: reviewed by expert panel. Criteria: ENIGMA BRCA1/2 Classification Criteria (2017-06-29). Collection method: curation. Allele origin: germline. Study: ENIGMA.
Comment: Variant allele predicted to encode a truncated non-functional protein.

Labcorp Genetics (formerly Invitae), Labcorp
Classification: Pathogenic for Hereditary breast ovarian cancer syndrome. Last evaluated: 2025-05-17. Review status: criteria provided, single submitter. Criteria: Invitae Variant Classification Sherloc (09022015). Collection method: clinical testing. Allele origin: germline. Not counted in ClinVar's aggregate classification.
Comment: This sequence change creates a premature translational stop signal (p.Ser1790Leufs*3) in the BRCA1 gene. It is expected to result in an absent or disrupted protein product. Loss-of-function variants in BRCA1 are known to be pathogenic (PMID: 20104584). This variant is not present in population databases (gnomAD no frequency). This premature translational stop signal has been observed in individual(s) with hereditary breast and/or ovarian cancer (PMID: 30702160). ClinVar contains an entry for this variant (Variation ID: 246134). For these reasons, this variant has been classified as Pathogenic.

GeneDx
Classification: Pathogenic. Last evaluated: 2025-04-29. Review status: criteria provided, single submitter. Criteria: GeneDx Variant Classification Process June 2021. Collection method: clinical testing. Allele origin: germline. Affected: yes. Not counted in ClinVar's aggregate classification.
Comment: Identified in association with epithelial ovarian cancer in published literature (PMID: 28176296); Frameshift variant predicted to result in protein truncation or nonsense mediated decay in a gene for which loss of function is a known mechanism of disease; Not observed at significant frequency in large population cohorts (gnomAD); Truncating variants in this gene are considered pathogenic by a well-established clinical consortium and/or database; Also known as 5487del; This variant is associated with the following publications: (PMID: 30702160, 31825140, 28176296)

Revvity Omics, Revvity
Classification: Pathogenic. Last evaluated: 2024-09-10. Review status: criteria provided, single submitter. Criteria: ACMG Guidelines, 2015. Collection method: clinical testing. Allele origin: germline. Not counted in ClinVar's aggregate classification.

Quest Diagnostics Nichols Institute San Juan Capistrano
Classification: Pathogenic. Last evaluated: 2023-05-02. Review status: criteria provided, single submitter. Criteria: Quest Diagnostics criteria. Collection method: clinical testing. Allele origin: unknown. Not counted in ClinVar's aggregate classification.
Comment: This frameshift variant alters the translational reading frame of the BRCA1 mRNA and causes the premature termination of BRCA1 protein synthesis. This variant has not been reported in large, multi-ethnic general populations. In the published literature, the variant has been reported in an individual with ovarian cancer (PMID: 28176296 (2017)). Based on the available information, this variant is classified as pathogenic.

Baylor Genetics
Classification: Pathogenic for Breast-ovarian cancer, familial, susceptibility to, 1. Last evaluated: 2022-10-18. Review status: criteria provided, single submitter. Criteria: ACMG Guidelines, 2015. Collection method: clinical testing. Allele origin: unknown. Not counted in ClinVar's aggregate classification.

Fulgent Genetics
Classification: Pathogenic for Familial cancer of breast; Breast-ovarian cancer, familial, susceptibility to, 1; Pancreatic cancer, susceptibility to, 4; Fanconi anemia, complementation group S. Last evaluated: 2022-04-10. Review status: criteria provided, single submitter. Criteria: ACMG Guidelines, 2015. Collection method: clinical testing. Allele origin: unknown. Not counted in ClinVar's aggregate classification.

Women's Health and Genetics/Laboratory Corporation of America, LabCorp
Classification: Pathogenic for Hereditary breast ovarian cancer syndrome. Last evaluated: 2021-12-13. Review status: criteria provided, single submitter. Criteria: LabCorp Variant Classification Summary - May 2015. Collection method: clinical testing. Allele origin: germline. Not counted in ClinVar's aggregate classification.
Comment: Variant summary: BRCA1 c.5368delT (p.Ser1790LeufsX3) results in a premature termination codon, predicted to cause a truncation of the encoded protein or absence of the protein due to nonsense mediated decay, which are commonly known mechanisms for disease. Truncations downstream of this position have been classified as pathogenic by our laboratory. The variant was absent in 251446 control chromosomes (gnomAD). c.5368delT has been reported in the literature in an individual affected with ovarian cancer (Shi_2017). To our knowledge, no experimental evidence demonstrating an impact on protein function has been reported. Three ClinVar submitters have assessed the variant since 2014, including one expert panel (ENIGMA), and all submitters have classified the variant as pathogenic. Based on the evidence outlined above, the variant was classified as pathogenic.

Color Diagnostics, LLC DBA Color Health
Classification: Pathogenic for Hereditary cancer-predisposing syndrome. Last evaluated: 2021-05-10. Review status: criteria provided, single submitter. Criteria: ACMG Guidelines, 2015. Collection method: clinical testing. Allele origin: germline. Not counted in ClinVar's aggregate classification.
Comment: This variant deletes 1 nucleotide in exon 21 of the BRCA1 gene, creating a frameshift and premature translation stop signal. This variant is expected to result in an absent or non-functional protein product. To our knowledge, functional studies have not been reported for this variant. This variant has been reported in at least two individuals affected with ovarian cancer (PMID: 28176296; Ahmad et al. (2020) J Mol Genet Med 14:467). This variant has not been identified in the general population by the Genome Aggregation Database (gnomAD). Loss of BRCA1 function is a known mechanism of disease. Based on the available evidence, this variant is classified as Pathogenic.

Literature cited by the submitters: PubMed 20104584 (cited by Labcorp Genetics (formerly Invitae), Labcorp); PubMed 30702160 (cited by 3 submitters); PubMed 28176296 (cited by Quest Diagnostics Nichols Institute San Juan Capistrano and Women's Health and Genetics/Laboratory Corporation of America, LabCorp); PubMed 31825140 (cited by Quest Diagnostics Nichols Institute San Juan Capistrano and Women's Health and Genetics/Laboratory Corporation of America, LabCorp).